The following is an entry in ClinVar:

NM_004366.6(CLCN2):c.885G>C (p.Trp295Cys)

Gene: CLCN2 (chloride voltage-gated channel 2; minus strand). Cytogenetic location: 3q27.1.
Variant type: single nucleotide variant.
Coding change: c.885G>C on transcript NM_004366.6 (MANE Select); coding-DNA position 885, G replaced by C.
Protein change: p.Trp295Cys; replaces tryptophan 295 with cysteine.
Molecular consequence: missense variant.
Genome position (GRCh38, 1-based): chr3:184,357,375, C>G on the plus strand (G>C on the coding strand, the complement: CLCN2 is on the minus strand). VCF-style: chr3-184357375-C-G. GRCh37 (hg19) VCF-style: chr3-184075163-C-G.
Other names: c.885G>C, p.Trp295Cys (NM_001171087.3, NM_001171089.3); c.753G>C, p.Trp251Cys (NM_001171088.3); short protein forms W295C, W251C.
Identifiers: ClinVar variation 3695995 (VCV003695995.2).

ClinVar aggregate classification (germline): Uncertain significance (1 of 4 stars; one submission).

Submission:

Labcorp Genetics (formerly Invitae), Labcorp
Classification: Uncertain significance. Last evaluated: 2025-06-12. Review status: criteria provided, single submitter. Criteria: Invitae Variant Classification Sherloc (09022015). Collection method: clinical testing. Allele origin: germline.
Comment: This sequence change replaces tryptophan, which is neutral and slightly polar, with cysteine, which is neutral and slightly polar, at codon 295 of the CLCN2 protein (p.Trp295Cys). This variant is not present in population databases (gnomAD no frequency). This variant has not been reported in the literature in individuals affected with CLCN2-related conditions. ClinVar contains an entry for this variant (Variation ID: 3695995). Invitae Evidence Modeling of protein sequence and biophysical properties (such as structural, functional, and spatial information, amino acid conservation, physicochemical variation, residue mobility, and thermodynamic stability) has been performed for this missense variant. However, the output from this modeling did not meet the statistical confidence thresholds required to predict the impact of this variant on CLCN2 protein function. In summary, the available evidence is currently insufficient to determine the role of this variant in disease. Therefore, it has been classified as a Variant of Uncertain Significance.